The following is an entry in ClinVar:

ClinVar aggregate classification (germline): Uncertain significance (1 of 4 stars; one submission).

Conditions:
Cardiovascular phenotype. Identifiers: MedGen CN230736.

Submission:

Ambry Genetics
Classification: Uncertain significance for Cardiovascular phenotype. Last evaluated: 2025-05-24. Review status: criteria provided, single submitter. Criteria: Ambry Variant Classification Scheme 2023. Collection method: clinical testing. Allele origin: germline.
Comment: The p.A1086V variant (also known as c.3257C>T), located in coding exon 11 of the RBM20 gene, results from a C to T substitution at nucleotide position 3257. The alanine at codon 1086 is replaced by valine, an amino acid with similar properties. This amino acid position is conserved. In addition, this alteration is predicted to be tolerated by in silico analysis. Based on the available evidence, the clinical significance of this variant remains unclear.

NM_001134363.3(RBM20):c.3257C>T (p.Ala1086Val)

Gene: RBM20 (RNA binding motif protein 20; plus strand). Cytogenetic location: 10q25.2.
Variant type: single nucleotide variant.
Coding change: c.3257C>T on transcript NM_001134363.3 (MANE Select); coding-DNA position 3257, C replaced by T.
Protein change: p.Ala1086Val; replaces alanine 1086 with valine.
Molecular consequence: missense variant.
Genome position (GRCh38, 1-based): chr10:110,821,876, C>T. VCF-style: chr10-110821876-C-T. GRCh37 (hg19) VCF-style: chr10-112581634-C-T.
Other names: short protein forms A1086V.
Identifiers: ClinVar variation 3943625 (VCV003943625.1).